The following is an entry in ClinVar:

ClinVar aggregate classification (germline): Conflicting classifications of pathogenicity. Review status: criteria provided, conflicting classifications (1 of 4 stars). 3 submissions from 3 submitters: Uncertain significance (2); Benign (1). Last evaluated 2023-06-01.

Allele frequency attached by ClinVar (database versions not stated): gnomAD 0.00671 and 0.00660; 1000 Genomes Project 30x 0.00234; gnomAD exomes 0.00849; 1000 Genomes Project 0.00300; TOPMed 0.00625.
gnomAD v4.1: 4,677 of 586,120 alleles (0.8%); highest among the groups gnomAD compares: Middle Eastern, 0.99%; 30 homozygotes.

Submissions (3):

CeGaT Center for Human Genetics Tuebingen
Classification: Benign. Last evaluated: 2023-06-01. Review status: criteria provided, single submitter. Criteria: CeGaT Center For Human Genetics Tuebingen Variant Classification Criteria Version 2. Collection method: clinical testing. Allele origin: germline. Affected: yes. Observed: 6 variant alleles.
Comment: EIF2AK3: BS1, BS2

Genetic Services Laboratory, University of Chicago
Classification: Uncertain significance. Last evaluated: 2017-06-15. Review status: criteria provided, single submitter. Criteria: ACMG Guidelines, 2015. Collection method: clinical testing. Allele origin: germline. Affected: no.

Breakthrough Genomics
Classification: Uncertain significance. Review status: criteria provided, single submitter. Criteria: ACMG Guidelines, 2015. Collection method: not provided. Allele origin: germline. Inheritance: Autosomal recessive inheritance. Affected: yes.

NM_004836.5(EIF2AK3):c.-201A>G

Gene: EIF2AK3 (eukaryotic translation initiation factor 2 alpha kinase 3; minus strand). Cytogenetic location: 2p11.2.
Variant type: single nucleotide variant.
Coding change: c.-201A>G on transcript NM_004836.5; 201 bases upstream of the start codon, A replaced by G.
Genome position (GRCh38, 1-based): chr2:88,627,475, T>C on the plus strand (A>G on the coding strand, the complement: EIF2AK3 is on the minus strand). VCF-style: chr2-88627475-T-C. GRCh37 (hg19) VCF-style: chr2-88926993-T-C.
Identifiers: ClinVar variation 337426 (VCV000337426.33), dbSNP rs144057685, ClinGen allele CA10616333.